The following is an entry in ClinVar:

ClinVar aggregate classification (germline): Pathogenic/Likely pathogenic. Review status: criteria provided, multiple submitters, no conflicts (2 of 4 stars). 5 submissions from 5 submitters: Pathogenic (2); Likely pathogenic (2). 1 of the submissions does not count toward it. Last evaluated 2024-10-27.

Conditions:
COL1A2-related disorder. Also called: COL1A2-Related Disorders; COL1A2-related condition.
Ehlers-Danlos syndrome, classic type, 1 (EDSCL1). Also called: EDS I; EHLERS-DANLOS SYNDROME, GRAVIS TYPE; EHLERS-DANLOS SYNDROME, SEVERE CLASSIC TYPE; Ehlers-Danlos syndrome, type 1; Ehlers-Danlos Syndrome, Classic Type, COL5A1-Related. Identifiers: MedGen C0268335, MONDO:0019567, OMIM 130000.
Osteogenesis imperfecta type I (OI1). Also called: OI, TYPE I; OSTEOGENESIS IMPERFECTA TARDA; OSTEOGENESIS IMPERFECTA WITH BLUE SCLERAE; Osteogenesis imperfecta type 1; Lobstein's Disease; Classic Non-deforming Osteogenesis Imperfecta with Blue Sclerae. Identifiers: Orphanet 216796, Orphanet 666, MedGen C0023931, MONDO:0008146, OMIM 166200. Disease mechanism: loss of function.

Submissions (5):

Labcorp Genetics (formerly Invitae), Labcorp
Classification: Pathogenic for Osteogenesis imperfecta type I; Ehlers-Danlos syndrome, classic type, 1. Last evaluated: 2024-10-27. Review status: criteria provided, single submitter. Criteria: Invitae Variant Classification Sherloc (09022015). Collection method: clinical testing. Allele origin: germline.
Comment: This sequence change replaces glycine, which is neutral and non-polar, with alanine, which is neutral and non-polar, at codon 514 of the COL1A2 protein (p.Gly514Ala). This variant is not present in population databases (gnomAD no frequency). This missense change has been observed in individuals with osteogenesis imperfecta (PMID: 35154279; internal data). ClinVar contains an entry for this variant (Variation ID: 994266). Invitae Evidence Modeling of protein sequence and biophysical properties (such as structural, functional, and spatial information, amino acid conservation, physicochemical variation, residue mobility, and thermodynamic stability) indicates that this missense variant is expected to disrupt COL1A2 protein function with a positive predictive value of 95%. This variant disrupts the triple helix domain of COL1A2. Glycine residues within the Gly-Xaa-Yaa repeats of the triple helix domain are required for the structure and stability of fibrillar collagens (PMID: 7695699, 8218237, 19344236). In COL1A2, variants affecting these glycine residues are significantly enriched in individuals with disease (PMID: 9016532, 17078022) compared to the general population (ExAC). For these reasons, this variant has been classified as Pathogenic.

Blueprint Genetics
Classification: Likely pathogenic for COL1A2-related disorders. Last evaluated: 2024-06-07. Review status: criteria provided, single submitter. Criteria: ACMG Guidelines, 2015. Collection method: clinical testing. Allele origin: germline. Affected: yes. Observed: 1 variant allele.

GeneDx
Classification: Pathogenic. Last evaluated: 2022-06-16. Review status: criteria provided, single submitter. Criteria: GeneDx Variant Classification Process June 2021. Collection method: clinical testing. Allele origin: germline. Affected: yes.
Comment: Occurs in the triple helical domain and replaces a glycine in a canonical Gly-X-Y repeat; missense substitution of a canonical glycine residue is expected to disrupt normal protein folding and function, and this is an established mechanism of disease (Jovanovic et al., 2021); Not observed at significant frequency in large population cohorts (gnomAD); In silico analysis supports that this missense variant has a deleterious effect on protein structure/function; Has not been previously published as pathogenic or benign to our knowledge; This variant is associated with the following publications: (PMID: 34007986)

ARUP Laboratories, Molecular Genetics and Genomics, ARUP Laboratories
Classification: Likely pathogenic. Last evaluated: 2020-03-11. Review status: criteria provided, single submitter. Criteria: ARUP Molecular Germline Variant Investigation Process. Collection method: clinical testing. Allele origin: germline.
Comment: The COL1A2 c.1541G>C; p.Gly514Ala variant, to our knowledge, is not reported in the medical literature or gene-specific databases. This variant is also absent from general population databases (Exome Variant Server, Genome Aggregation Database), indicating it is not a common polymorphism. The glycine at codon 514 is highly conserved, and this variant disrupts the repeating Gly-X-Y sequence motif of the collagen triple helix and is predicted to impair collagen function (Ben Amor 2011). Additionally, another amino acid substitution at this codon (p.Gly514Val) has been reported in an individual with osteogenesis imperfect type II and is considered disease-causing (Maioli 2019). Based on available information, the p.Gly514Ala variant is considered to be likely pathogenic. References: Ben Amor I et al. Genotype-phenotype correlations in autosomal dominant osteogenesis imperfecta. J Osteoporos. 2011; 2011:540178. Maioli M et al. Genotype-phenotype correlation study in 364 osteogenesis imperfecta Italian patients. Eur J Hum Genet. 2019 Jul;27(7):1090-1100.

PreventionGenetics, part of Exact Sciences
Classification: Pathogenic for COL1A2-related condition. Last evaluated: 2024-09-19. Review status: no assertion criteria provided. Collection method: clinical testing. Allele origin: germline. Not counted in ClinVar's aggregate classification.
Comment: The COL1A2 c.1541G>C variant is predicted to result in the amino acid substitution p.Gly514Ala. This variant was reported in an individual with osteogenesis imperfecta (Patient S272 in Table S1, Chen et al. 2022. PubMed ID: 35154279). In addition, another variant impacting this same nucleotide position [c.1541G>T (Gly514Val)] has also been reported in a patient with osteogenesis imperfecta (Maioli et al. 2019. PubMed ID: 30886339). The p.Gly514Ala residue is located in the conserved Gly-Xaa-Yaa triple helical domain where substitutions of a glycine are usually pathogenic (Marini et al. 2007. PubMed ID: 17078022). This variant has not been reported in a large population database, indicating this variant is rare. Based on this evidence, we interpret this variant as pathogenic.

Literature cited by the submitters: PubMed 35154279 (cited by Labcorp Genetics (formerly Invitae), Labcorp); PubMed 7695699 (cited by Labcorp Genetics (formerly Invitae), Labcorp); PubMed 8218237 (cited by Labcorp Genetics (formerly Invitae), Labcorp); PubMed 19344236 (cited by Labcorp Genetics (formerly Invitae), Labcorp); PubMed 9016532 (cited by Labcorp Genetics (formerly Invitae), Labcorp); PubMed 17078022 (cited by Labcorp Genetics (formerly Invitae), Labcorp).

NM_000089.4(COL1A2):c.1541G>C (p.Gly514Ala)

Gene: COL1A2 (collagen type I alpha 2 chain; plus strand). Cytogenetic location: 7q21.3.
Variant type: single nucleotide variant.
Coding change: c.1541G>C on transcript NM_000089.4 (MANE Select); coding-DNA position 1541, G replaced by C.
Protein change: p.Gly514Ala; replaces glycine 514 with alanine.
Molecular consequence: missense variant.
Genome position (GRCh38, 1-based): chr7:94,413,120, G>C. VCF-style: chr7-94413120-G-C. GRCh37 (hg19) VCF-style: chr7-94042432-G-C.
Other names: short protein forms G514A.
Identifiers: ClinVar variation 994266 (VCV000994266.14), dbSNP rs1791962073, ClinGen allele CA368222068.